The following is an entry in ClinVar:

ClinVar aggregate classification (germline): Likely benign. Review status: criteria provided, multiple submitters, no conflicts (2 of 4 stars). 3 submissions from 3 submitters: Likely benign (3). Last evaluated 2025-07-17.

Conditions:
Perlman syndrome (PRLMNS). Identifiers: Orphanet 2849, MedGen C0796113, MONDO:0009965, OMIM 267000.

Allele frequency attached by ClinVar (database versions not stated): gnomAD 0.00001; TOPMed 0.00001; gnomAD exomes 0.00002; ExAC 0.00003.
gnomAD v4.1: 10 of 1,612,706 alleles (0.00062%); highest among the groups gnomAD compares: Admixed American, 0.0017%; no homozygotes.

Submissions (3):

Labcorp Genetics (formerly Invitae), Labcorp
Classification: Likely benign for Perlman syndrome. Last evaluated: 2025-07-17. Review status: criteria provided, single submitter. Criteria: Invitae Variant Classification Sherloc (09022015). Collection method: clinical testing. Allele origin: germline.

Blueprint Genetics
Classification: Likely benign. Last evaluated: 2024-06-07. Review status: criteria provided, single submitter. Criteria: ACMG Guidelines, 2015. Collection method: clinical testing. Allele origin: germline.

CeGaT Center for Human Genetics Tuebingen
Classification: Likely benign. Last evaluated: 2022-10-01. Review status: criteria provided, single submitter. Criteria: CeGaT Center For Human Genetics Tuebingen Variant Classification Criteria Version 2. Collection method: clinical testing. Allele origin: germline. Affected: yes. Observed: 1 variant allele.
Comment: DIS3L2: BP4, BP7

NM_152383.5(DIS3L2):c.2049A>G (p.Pro683=)

Gene: DIS3L2 (DIS3 like 3'-5' exoribonuclease 2; plus strand). Cytogenetic location: 2q37.1.
Variant type: single nucleotide variant.
Coding change: c.2049A>G on transcript NM_152383.5 (MANE Select); coding-DNA position 2049, A replaced by G.
Protein change: p.Pro683=; no amino-acid change (proline 683 retained).
Molecular consequence: synonymous variant. On other transcripts: non-coding transcript variant (2), intron variant (1).
Genome position (GRCh38, 1-based): chr2:232,333,878, A>G. VCF-style: chr2-232333878-A-G. GRCh37 (hg19) VCF-style: chr2-233198588-A-G.
Other names: c.1582-9467A>G (NM_001257281.2).
Identifiers: ClinVar variation 701993 (VCV000701993.35), dbSNP rs757277629, ClinGen allele CA2164381.
Genomic context (GRCh38, chr2:232,333,878, plus strand): 5'-TCTGACCCATCCCGTCCCGCAGATGGCACTGTACTTCTGCTCGGGGCTGCTGCAGGACCC[A>G]GCGCAGTTCCGGCACTACGCGCTCAATGTGCCCCTGTACACACACTTCACCTCGCCCATC-3'
Protein context (NP_689596.4, residues 673-693): LYFCSGLLQD[Pro683=]AQFRHYALNV